The following is an entry in ClinVar:

NM_001130823.3(DNMT1):c.4172C>G (p.Pro1391Arg)

Gene: DNMT1 (DNA methyltransferase 1; minus strand). Cytogenetic location: 19p13.2.
Variant type: single nucleotide variant.
Coding change: c.4172C>G on transcript NM_001130823.3 (MANE Select); coding-DNA position 4172, C replaced by G.
Protein change: p.Pro1391Arg; replaces proline 1391 with arginine.
Molecular consequence: missense variant.
Genome position (GRCh38, 1-based): chr19:10,137,953, G>C on the plus strand (C>G on the coding strand, the complement: DNMT1 is on the minus strand). VCF-style: chr19-10137953-G-C. GRCh37 (hg19) VCF-style: chr19-10248629-G-C.
Other names: c.4124C>G, p.Pro1375Arg (NM_001318730.2, NM_001379.4); c.3809C>G, p.Pro1270Arg (NM_001318731.2); short protein forms P1270R, P1391R, P1375R.
Identifiers: ClinVar variation 2046955 (VCV002046955.4), dbSNP rs1382078791, ClinGen allele CA403970470.

ClinVar aggregate classification (germline): Uncertain significance (1 of 4 stars; one submission).

Conditions:
Hereditary sensory neuropathy-deafness-dementia syndrome. Also called: NEUROPATHY, HEREDITARY SENSORY, WITH HEARING LOSS AND DEMENTIA; Hereditary Sensory and Autonomic Neuropathy Type 1E (HSAN1E); Hereditary sensory neuropathy type IE; HSN IE. Identifiers: Orphanet 456318, MedGen C3279885, MONDO:0013584, OMIM 614116.

gnomAD v4.1: 2 of 1,611,712 alleles (0.00012%); highest among the groups gnomAD compares: Non-Finnish European, 0.00017%; no homozygotes.

Submission:

Labcorp Genetics (formerly Invitae), Labcorp
Classification: Uncertain significance for Hereditary sensory neuropathy-deafness-dementia syndrome. Last evaluated: 2022-09-19. Review status: criteria provided, single submitter. Criteria: Invitae Variant Classification Sherloc (09022015). Collection method: clinical testing. Allele origin: germline.
Comment: In summary, the available evidence is currently insufficient to determine the role of this variant in disease. Therefore, it has been classified as a Variant of Uncertain Significance. Advanced modeling of protein sequence and biophysical properties (such as structural, functional, and spatial information, amino acid conservation, physicochemical variation, residue mobility, and thermodynamic stability) performed at Invitae indicates that this missense variant is expected to disrupt DNMT1 protein function. This sequence change replaces proline, which is neutral and non-polar, with arginine, which is basic and polar, at codon 1391 of the DNMT1 protein (p.Pro1391Arg). This variant has not been reported in the literature in individuals affected with DNMT1-related conditions. This variant is present in population databases (no rsID available, gnomAD 0.01%).